The following is an entry in ClinVar:

NM_001374736.1(DST):c.4473C>T (p.Asn1491=)

Gene: DST (dystonin; minus strand). Cytogenetic location: 6p12.1.
Variant type: single nucleotide variant.
Coding change: c.4473C>T on transcript NM_001374736.1 (MANE Select); coding-DNA position 4473, C replaced by T.
Protein change: p.Asn1491=; no amino-acid change (asparagine 1491 retained).
Molecular consequence: synonymous variant.
Genome position (GRCh38, 1-based): chr6:56,629,252, G>A on the plus strand (C>T on the coding strand, the complement: DST is on the minus strand). VCF-style: chr6-56629252-G-A. GRCh37 (hg19) VCF-style: chr6-56494050-G-A.
Other names: c.4374C>T, p.Asn1458= (NM_001144769.5); c.3960C>T, p.Asn1320= (NM_001144770.2); c.4473C>T, p.Asn1491= (NM_001374722.1); c.3840C>T, p.Asn1280= (NM_001374729.1, NM_001374730.1, NM_001386100.1 and 1 more transcripts); c.4500C>T, p.Asn1500= (NM_001374734.1); c.2862C>T, p.Asn954= (NM_001723.7, NM_015548.5).
Identifiers: ClinVar variation 715301 (VCV000715301.12), dbSNP rs143239593, ClinGen allele CA3870903.

ClinVar aggregate classification (germline): Likely benign. Review status: criteria provided, multiple submitters, no conflicts (2 of 4 stars). 2 submissions from 2 submitters: Likely benign (2). Last evaluated 2025-11-16.

Conditions:
DST-related disorder. Also called: DST-related disorders; DST-related condition.
Epidermolysis bullosa simplex 3, localized or generalized intermediate, with BP230 deficiency (EBS3). Also called: Epidermolysis bullosa simplex due to BP230 deficiency; Epidermolysis bullosa simplex, autosomal recessive 2. Identifiers: Orphanet 412181, MedGen C3809470, MONDO:0014180, OMIM 615425.
Hereditary sensory and autonomic neuropathy type 6. Also called: Neuropathy, hereditary sensory and autonomic, type VI; HSAN VI. Identifiers: Orphanet 314381, MedGen C3539003, MONDO:0013839, OMIM 614653.

Allele frequency attached by ClinVar (database versions not stated): gnomAD exomes 0.00003 and 0.00011; ExAC 0.00008; gnomAD 0.00029 and 0.00033; TOPMed 0.00037; ESP Exome Variant Server 0.00046.
gnomAD v4.1: 85 of 1,613,586 alleles (0.0053%); highest among the groups gnomAD compares: African/African-American, 0.092%; no homozygotes.

Submissions (2):

Labcorp Genetics (formerly Invitae), Labcorp
Classification: Likely benign for Epidermolysis bullosa simplex 3, localized or generalized intermediate, with BP230 deficiency; Hereditary sensory and autonomic neuropathy type 6. Last evaluated: 2025-11-16. Review status: criteria provided, single submitter. Criteria: Invitae Variant Classification Sherloc (09022015). Collection method: clinical testing. Allele origin: germline.

PreventionGenetics, part of Exact Sciences
Classification: Likely benign for DST-related condition. Last evaluated: 2025-07-08. Review status: criteria provided, single submitter. Criteria: ACMG Guidelines, 2015. Collection method: clinical testing. Allele origin: germline.
Comment: This variant is classified as likely benign based on ACMG/AMP sequence variant interpretation guidelines (Richards et al. 2015 PMID: 25741868, with internal and published modifications).